The following is an entry in ClinVar:

ClinVar aggregate classification (germline): Uncertain significance. Review status: criteria provided, multiple submitters, no conflicts (2 of 4 stars). 3 submissions from 3 submitters: Uncertain significance (3). Last evaluated 2023-11-20.

Conditions:
Inborn genetic diseases. Identifiers: MedGen C0950123, MeSH D030342.

gnomAD v4.1: 6 of 1,591,912 alleles (0.00038%); highest among the groups gnomAD compares: Non-Finnish European, 0.00043%; no homozygotes.

Submissions (3):

Labcorp Genetics (formerly Invitae), Labcorp
Classification: Uncertain significance. Last evaluated: 2023-11-20. Review status: criteria provided, single submitter. Criteria: Invitae Variant Classification Sherloc (09022015). Collection method: clinical testing. Allele origin: germline.
Comment: This sequence change replaces glutamic acid, which is acidic and polar, with lysine, which is basic and polar, at codon 348 of the CWC27 protein (p.Glu348Lys). This variant also falls at the last nucleotide of exon 11, which is part of the consensus splice site for this exon. This variant is present in population databases (no rsID available, gnomAD 0.001%). This variant has not been reported in the literature in individuals affected with CWC27-related conditions. ClinVar contains an entry for this variant (Variation ID: 1046975). An algorithm developed to predict the effect of missense changes on protein structure and function (PolyPhen-2) suggests that this variant is likely to be tolerated. Variants that disrupt the consensus splice site are a relatively common cause of aberrant splicing (PMID: 17576681, 9536098). In summary, the available evidence is currently insufficient to determine the role of this variant in disease. Therefore, it has been classified as a Variant of Uncertain Significance.

Blueprint Genetics
Classification: Uncertain significance. Last evaluated: 2022-06-29. Review status: criteria provided, single submitter. Criteria: ACMG Guidelines, 2015. Collection method: clinical testing. Allele origin: germline.

Ambry Genetics
Classification: Uncertain significance for Inborn genetic diseases. Last evaluated: 2022-01-19. Review status: criteria provided, single submitter. Criteria: Ambry Variant Classification Scheme 2023. Collection method: clinical testing. Allele origin: germline.

Literature cited by the submitters: PubMed 17576681 (cited by Labcorp Genetics (formerly Invitae), Labcorp); PubMed 9536098 (cited by Labcorp Genetics (formerly Invitae), Labcorp).

NM_005869.4(CWC27):c.1042G>A (p.Glu348Lys)

Gene: CWC27 (CWC27 spliceosome associated cyclophilin; plus strand). Cytogenetic location: 5q12.3.
Variant type: single nucleotide variant.
Coding change: c.1042G>A on transcript NM_005869.4 (MANE Select); coding-DNA position 1042, G replaced by A.
Protein change: p.Glu348Lys; replaces glutamic acid 348 with lysine.
Molecular consequence: missense variant.
Genome position (GRCh38, 1-based): chr5:64,885,546, G>A. VCF-style: chr5-64885546-G-A. GRCh37 (hg19) VCF-style: chr5-64181373-G-A.
Other names: c.1042G>A, p.Glu348Lys (NM_001297644.1); c.1042G>A, p.Asp348Asn (NM_001364478.1); c.1042G>A (NM_005869.2); short protein forms D348N, E348K.
Identifiers: ClinVar variation 1046975 (VCV001046975.13), dbSNP rs775170127, ClinGen allele CA359961495.